The following is an entry in ClinVar:

ClinVar aggregate classification (germline): Likely pathogenic (1 of 4 stars; one submission).

Conditions:
Schaaf-Yang syndrome (SHFYNG). Also called: MAGEL2-related Prader-Willi-like syndrome; Arthrogryposis, distal, with hypopituitarism, intellectual disability, and facial anomalies. Identifiers: Orphanet 398069, MedGen C5575066, MONDO:0014243, OMIM 615547.

Submission:

3billion
Classification: Likely pathogenic for Schaaf-Yang syndrome. Last evaluated: 2024-09-24. Review status: criteria provided, single submitter. Criteria: ACMG Guidelines, 2015. Collection method: clinical testing. Allele origin: germline. Affected: yes.
Comment: The variant is not observed in the gnomAD v4.1.0 dataset. Predicted Consequence/Location: Stop-gained (nonsense): predicted to result in a loss or disruption of normal protein function through protein truncation. The predicted truncated protein may be shortened by more than 10%. Therefore, this variant is classified as Likely pathogenic according to the recommendation of ACMG/AMP guideline.

NM_019066.5(MAGEL2):c.2092G>T (p.Gly698Ter)

Gene: MAGEL2 (MAGE family member L2; minus strand). Cytogenetic location: 15q11.2.
Variant type: single nucleotide variant.
Coding change: c.2092G>T on transcript NM_019066.5 (MANE Select); coding-DNA position 2092, G replaced by T.
Protein change: p.Gly698Ter; replaces glycine 698 with a stop codon.
Molecular consequence: nonsense.
Genome position (GRCh38, 1-based): chr15:23,645,651, C>A on the plus strand (G>T on the coding strand, the complement: MAGEL2 is on the minus strand). VCF-style: chr15-23645651-C-A. GRCh37 (hg19) VCF-style: chr15-23890798-C-A.
Other names: short protein forms G698*.
Identifiers: ClinVar variation 4293199 (VCV004293199.1).
Genomic context (GRCh38, chr15:23,645,651, plus strand): 5'-ATGGAGTCATCAATGATTTAGCGGAGCCCAGGGGAAAATTTGCCGCTGCTACCGGGGGTC[C>A]GGGCTGGGCCTGCAAGACTGCAGGCGGTGCCTGCCAGGAAGGCTGGAGCGGCAGTGTGGG-3'